The following is an entry in ClinVar:

NM_003924.4(PHOX2B):c.793G>A (p.Ala265Thr)

Gene: PHOX2B (paired like homeobox 2B; minus strand). Cytogenetic location: 4p13.
Variant type: single nucleotide variant.
Coding change: c.793G>A on transcript NM_003924.4 (MANE Select); coding-DNA position 793, G replaced by A.
Protein change: p.Ala265Thr; replaces alanine 265 with threonine.
Molecular consequence: missense variant.
Genome position (GRCh38, 1-based): chr4:41,745,959, C>T on the plus strand (G>A on the coding strand, the complement: PHOX2B is on the minus strand). VCF-style: chr4-41745959-C-T. GRCh37 (hg19) VCF-style: chr4-41747976-C-T.
Other names: short protein forms A265T.
Identifiers: ClinVar variation 664519 (VCV000664519.16), dbSNP rs1010753155, ClinGen allele CA95828397.

ClinVar aggregate classification (germline): Uncertain significance. Review status: criteria provided, multiple submitters, no conflicts (2 of 4 stars). 5 submissions from 5 submitters: Uncertain significance (5). Last evaluated 2026-10-01.

Conditions:
Central hypoventilation syndrome, congenital, 1, with or without Hirschsprung disease (CCHS1). Also called: AUTONOMIC CONTROL, CONGENITAL FAILURE OF; ONDINE CURSE, CONGENITAL; Central hypoventilation syndrome, congenital, 1, with or without Hirschsprung; Congenital Central Hypoventilation Syndrome (CCHS); CENTRAL HYPOVENTILATION SYNDROME, CONGENITAL, 1. Identifiers: Orphanet 661, MedGen C5562075, MONDO:0800026, OMIM 209880.
Hereditary cancer-predisposing syndrome. Also called: Hereditary neoplastic syndrome; Neoplastic Syndromes, Hereditary; Tumor predisposition; Hereditary Cancer Syndrome. Identifiers: Orphanet 140162, MedGen C0027672, MeSH D009386, MONDO:0015356.
Neuroblastoma, susceptibility to, 2. Identifiers: Orphanet 635, MedGen C2751682, MONDO:0700041, OMIM 613013.
Haddad syndrome (OHD). Also called: Ondine-Hirschsprung disease. Identifiers: Orphanet 99803, MedGen C1859049, MONDO:0020493.

Allele frequency attached by ClinVar (database versions not stated): TOPMed 0.00002; gnomAD 0.00001; gnomAD exomes 0.00001 and 0.00002.
gnomAD v4.1: 27 of 1,419,562 alleles (0.0019%); highest among the groups gnomAD compares: Non-Finnish European, 0.0024%; no homozygotes.

Submissions (5):

St. Jude Molecular Pathology, St. Jude Children's Research Hospital
Classification: Uncertain significance for Central hypoventilation syndrome, congenital, 1, with or without Hirschsprung disease. Last evaluated: 2026-10-01. Review status: criteria provided, single submitter. Criteria: St. Jude Assertion Criteria 2020. Collection method: clinical testing. Allele origin: germline.
Comment: The PHOX2B c.793G>A p.(Ala265Thr) missense chang e has a maximum subpopulation frequency of 0.002% in gnomAD v2.1.1. The in silico tool REVEL predicts a benign effect on protein function, but to our knowledge this prediction has not been confirmed by functional studi es. To our knowledge, this variant has not been reported in individuals with PHOX2B-related disease. In summary, the evidence currently available is insufficient to determine the clinical significance of this variant. It has therefore been classified as of uncertain significance.

Labcorp Genetics (formerly Invitae), Labcorp
Classification: Uncertain significance for Haddad syndrome. Last evaluated: 2025-07-30. Review status: criteria provided, single submitter. Criteria: Invitae Variant Classification Sherloc (09022015). Collection method: clinical testing. Allele origin: germline.
Comment: This sequence change replaces alanine, which is neutral and non-polar, with threonine, which is neutral and polar, at codon 265 of the PHOX2B protein (p.Ala265Thr). The frequency data for this variant in the population databases is considered unreliable, as metrics indicate poor data quality at this position in the gnomAD database. This variant has not been reported in the literature in individuals affected with PHOX2B-related conditions. ClinVar contains an entry for this variant (Variation ID: 664519). Experimental studies and prediction algorithms are not available or were not evaluated, and the functional significance of this variant is currently unknown. In summary, the available evidence is currently insufficient to determine the role of this variant in disease. Therefore, it has been classified as a Variant of Uncertain Significance.

Ambry Genetics
Classification: Uncertain significance for Hereditary cancer-predisposing syndrome. Last evaluated: 2025-06-26. Review status: criteria provided, single submitter. Criteria: Ambry Variant Classification Scheme 2023. Collection method: clinical testing. Allele origin: germline.
Comment: The p.A265T variant (also known as c.793G>A), located in coding exon 3 of the PHOX2B gene, results from a G to A substitution at nucleotide position 793. The alanine at codon 265 is replaced by threonine, an amino acid with similar properties. This amino acid position is well conserved in available vertebrate species. In addition, this alteration is predicted to be tolerated by in silico analysis. Based on the available evidence, the clinical significance of this variant remains unclear.

Baylor Genetics
Classification: Uncertain significance for Neuroblastoma, susceptibility to, 2. Last evaluated: 2023-11-26. Review status: criteria provided, single submitter. Criteria: ACMG Guidelines, 2015. Collection method: clinical testing. Allele origin: unknown.

GeneDx
Classification: Uncertain significance. Last evaluated: 2023-08-01. Review status: criteria provided, single submitter. Criteria: GeneDx Variant Classification Process June 2021. Collection method: clinical testing. Allele origin: germline. Affected: yes.
Comment: Not observed at significant frequency in large population cohorts (gnomAD); In silico analysis supports that this missense variant does not alter protein structure/function; Has not been previously published as pathogenic or benign to our knowledge